The following is an entry in ClinVar:

NM_002615.7(SERPINF1):c.871G>A (p.Glu291Lys)

Gene: SERPINF1 (serpin family F member 1; plus strand). Cytogenetic location: 17p13.3.
Variant type: single nucleotide variant.
Coding change: c.871G>A on transcript NM_002615.7 (MANE Select); coding-DNA position 871, G replaced by A.
Protein change: p.Glu291Lys; replaces glutamic acid 291 with lysine.
Molecular consequence: missense variant.
Genome position (GRCh38, 1-based): chr17:1,776,616, G>A. VCF-style: chr17-1776616-G-A. GRCh37 (hg19) VCF-style: chr17-1679910-G-A.
Other names: c.871G>A, p.Glu291Lys (NM_001329903.2); c.310G>A, p.Glu104Lys (NM_001329904.2, NM_001329905.2); c.871G>A (NM_002615.5); short protein forms E104K, E291K.
Identifiers: ClinVar variation 1702057 (VCV001702057.5), dbSNP rs1465650682, ClinGen allele CA397589721.

ClinVar aggregate classification (germline): Uncertain significance. Review status: criteria provided, multiple submitters, no conflicts (2 of 4 stars). 3 submissions from 3 submitters: Uncertain significance (3). Last evaluated 2025-05-13.

Conditions:
Inborn genetic diseases. Identifiers: MedGen C0950123, MeSH D030342.
Osteogenesis imperfecta (OI). Identifiers: Orphanet 666, MedGen C0029434, MeSH D010013, MONDO:0019019.

Allele frequency attached by ClinVar (database versions not stated): TOPMed below 0.00001; gnomAD 0.00001; gnomAD exomes 0.00001.
gnomAD v4.1: 14 of 1,613,878 alleles (0.00087%); highest among the groups gnomAD compares: Admixed American, 0.017%; no homozygotes.

Submissions (3):

Women's Health and Genetics/Laboratory Corporation of America, LabCorp
Classification: Uncertain significance. Last evaluated: 2025-05-13. Review status: criteria provided, single submitter. Criteria: LabCorp Variant Classification Summary - May 2015. Collection method: clinical testing. Allele origin: germline.
Comment: Variant summary: SERPINF1 c.871G>A (p.Glu291Lys) results in a conservative amino acid change located in the Serpins domain ( IPR036186) of the encoded protein sequence. Algorithms developed to predict the effect of missense changes on protein structure and function are either unavailable or do not agree on the potential impact of this missense change. The variant allele was found at a frequency of 8e-06 in 251490 control chromosomes. The available data on variant occurrences in the general population are insufficient to allow any conclusion about variant significance. To our knowledge, no occurrence of c.871G>A in individuals affected with Osteogenesis Imperfecta and no experimental evidence demonstrating its impact on protein function have been reported. ClinVar contains an entry for this variant (Variation ID: 1702057). Based on the evidence outlined above, the variant was classified as uncertain significance.

Ambry Genetics
Classification: Uncertain significance for Inborn genetic diseases. Last evaluated: 2025-04-10. Review status: criteria provided, single submitter. Criteria: Ambry Variant Classification Scheme 2023. Collection method: clinical testing. Allele origin: germline.

Genome Diagnostics Laboratory, The Hospital for Sick Children
Classification: Uncertain significance for Osteogenesis imperfecta. Last evaluated: 2018-10-01. Review status: criteria provided, single submitter. Criteria: ACMG Guidelines, 2015. Collection method: clinical testing. Allele origin: germline.